The following is an entry in ClinVar:

ClinVar aggregate classification (germline): Uncertain significance (1 of 4 stars; one submission).

Conditions:
RASopathy. Also called: Noonan spectrum disorder; rasopathies. Identifiers: Orphanet 536391, MedGen C5555857, MONDO:0021060.

Submission:

Labcorp Genetics (formerly Invitae), Labcorp
Classification: Uncertain significance for RASopathy. Last evaluated: 2023-05-01. Review status: criteria provided, single submitter. Criteria: Invitae Variant Classification Sherloc (09022015). Collection method: clinical testing. Allele origin: germline.
Comment: In summary, the available evidence is currently insufficient to determine the role of this variant in disease. Therefore, it has been classified as a Variant of Uncertain Significance. Experimental studies and prediction algorithms are not available or were not evaluated, and the functional significance of this variant is currently unknown. This variant has not been reported in the literature in individuals affected with BRAF-related conditions. This variant results in a copy number gain of the genomic region encompassing exon(s) 1 of the BRAF gene. This region includes the initiator codon of the gene. This copy number gain extends beyond the assayed region for this gene and therefore may encompass additional genes. As the precise location of this event is unknown, it may be in tandem or it may be located elsewhere in the genome.

NC_000007.13:g.(?_140624346)_(140624503_?)dup

Gene: BRAF (B-Raf proto-oncogene, serine/threonine kinase; minus strand). Cytogenetic location: 7q34.
Variant type: Duplication.
Identifiers: ClinVar variation 2425072 (VCV002425072.4).